The following is an entry in ClinVar:

ClinVar aggregate classification (germline): Uncertain significance (1 of 4 stars; one submission).

Allele frequency attached by ClinVar (database versions not stated): gnomAD exomes below 0.00001 and 0.00001; ExAC 0.00001; gnomAD 0.00003; TOPMed 0.00004; ESP Exome Variant Server 0.00008.
gnomAD v4.1: 8 of 1,614,046 alleles (0.0005%); highest among the groups gnomAD compares: African/African-American, 0.0093%; no homozygotes.

Submission:

Labcorp Genetics (formerly Invitae), Labcorp
Classification: Uncertain significance. Last evaluated: 2024-04-25. Review status: criteria provided, single submitter. Criteria: Invitae Variant Classification Sherloc (09022015). Collection method: clinical testing. Allele origin: germline.
Comment: This sequence change replaces lysine, which is basic and polar, with glutamic acid, which is acidic and polar, at codon 1679 of the FN1 protein (p.Lys1679Glu). This variant is present in population databases (rs376728271, gnomAD 0.007%). This variant has not been reported in the literature in individuals affected with FN1-related conditions. ClinVar contains an entry for this variant (Variation ID: 1357047). An algorithm developed to predict the effect of missense changes on protein structure and function (PolyPhen-2) suggests that this variant is likely to be tolerated. In summary, the available evidence is currently insufficient to determine the role of this variant in disease. Therefore, it has been classified as a Variant of Uncertain Significance.

NM_212482.4(FN1):c.5035A>G (p.Lys1679Glu)

Gene: FN1 (fibronectin 1; minus strand). Cytogenetic location: 2q35.
Variant type: single nucleotide variant.
Coding change: c.5035A>G on transcript NM_212482.4 (MANE Select); coding-DNA position 5035, A replaced by G.
Protein change: p.Lys1679Glu; replaces lysine 1679 with glutamic acid.
Molecular consequence: missense variant.
Genome position (GRCh38, 1-based): chr2:215,383,343, T>C on the plus strand (A>G on the coding strand, the complement: FN1 is on the minus strand). VCF-style: chr2-215383343-T-C. GRCh37 (hg19) VCF-style: chr2-216248066-T-C.
Other names: c.5035A>G, p.Lys1679Glu (NM_001306129.2, NM_001306130.2, NM_001365517.2 and 3 more transcripts); c.4762A>G, p.Lys1588Glu (NM_001306131.2, NM_001306132.2, NM_001365518.2 and 7 more transcripts); short protein forms K1679E, K1588E.
Identifiers: ClinVar variation 1357047 (VCV001357047.6), dbSNP rs376728271, ClinGen allele CA2094268.